The following is an entry in ClinVar:

NM_139319.3(SLC17A8):c.*1243A>C

Gene: SLC17A8 (solute carrier family 17 member 8; plus strand). Cytogenetic location: 12q23.1.
Variant type: single nucleotide variant.
Coding change: c.*1243A>C on transcript NM_139319.3 (MANE Select); 1243 bases downstream of the stop codon, A replaced by C.
Molecular consequence: 3 prime UTR variant.
Genome position (GRCh38, 1-based): chr12:100,421,402, A>C. VCF-style: chr12-100421402-A-C. GRCh37 (hg19) VCF-style: chr12-100815180-A-C.
Other names: c.*1243A>C (NM_001145288.2).
Identifiers: ClinVar variation 883240 (VCV000883240.4), dbSNP rs146008884, ClinGen allele CA242351396.

ClinVar aggregate classification (germline): Likely benign (1 of 4 stars; one submission).

Conditions:
Autosomal dominant nonsyndromic hearing loss 25. Identifiers: Orphanet 90635, MedGen C1854158, MONDO:0011568, OMIM 605583.

Allele frequency attached by ClinVar (database versions not stated): TOPMed 0.00030; gnomAD 0.00078 and 0.00094; 1000 Genomes Project 30x 0.00203; 1000 Genomes Project 0.00220.

Submission:

Illumina Laboratory Services, Illumina
Classification: Likely benign for Autosomal dominant nonsyndromic hearing loss 25. Last evaluated: 2018-01-13. Review status: criteria provided, single submitter. Criteria: ICSL Variant Classification Criteria 13 December 2019. Collection method: clinical testing. Allele origin: germline.
Comment: This variant was observed in the ICSL laboratory as part of a predisposition screen in an ostensibly healthy population. It had not been previously curated by ICSL or reported in the Human Gene Mutation Database (HGMD: prior to June 1st, 2018), and was therefore a candidate for classification through an automated scoring system. Utilizing variant allele frequency, disease prevalence and penetrance estimates, and inheritance mode, an automated score was calculated to assess if this variant is too frequent to cause the disease. Based on the score and internal cut-off values, a variant classified as likely benign is not then subjected to further curation. The score for this variant resulted in a classification of likely benign for this disease.